The following is an entry in ClinVar:

ClinVar aggregate classification (germline): Uncertain significance. Review status: criteria provided, multiple submitters, no conflicts (2 of 4 stars). 3 submissions from 3 submitters: Uncertain significance (3). Last evaluated 2025-09-28.

Allele frequency attached by ClinVar (database versions not stated): ExAC 0.00002; gnomAD exomes 0.00002; 1000 Genomes Project 0.00020; 1000 Genomes Project 30x 0.00031.
gnomAD v4.1: 29 of 1,614,254 alleles (0.0018%); highest among the groups gnomAD compares: Middle Eastern, 0.099%; no homozygotes.

Submissions (3):

Ambry Genetics
Classification: Uncertain significance. Last evaluated: 2025-09-28. Review status: criteria provided, single submitter. Criteria: Ambry Variant Classification Scheme 2023. Collection method: clinical testing. Allele origin: germline.

Labcorp Genetics (formerly Invitae), Labcorp
Classification: Uncertain significance. Last evaluated: 2024-10-26. Review status: criteria provided, single submitter. Criteria: Invitae Variant Classification Sherloc (09022015). Collection method: clinical testing. Allele origin: germline.
Comment: This sequence change replaces glutamic acid, which is acidic and polar, with lysine, which is basic and polar, at codon 715 of the SLC7A14 protein (p.Glu715Lys). This variant is present in population databases (rs530931888, gnomAD 0.009%). This variant has not been reported in the literature in individuals affected with SLC7A14-related conditions. ClinVar contains an entry for this variant (Variation ID: 1054378). An algorithm developed to predict the effect of missense changes on protein structure and function (PolyPhen-2) suggests that this variant is likely to be tolerated. In summary, the available evidence is currently insufficient to determine the role of this variant in disease. Therefore, it has been classified as a Variant of Uncertain Significance.

Blueprint Genetics
Classification: Uncertain significance. Last evaluated: 2023-03-03. Review status: criteria provided, single submitter. Criteria: ACMG Guidelines, 2015. Collection method: clinical testing. Allele origin: germline.

NM_020949.3(SLC7A14):c.2143G>A (p.Glu715Lys)

Gene: SLC7A14 (solute carrier family 7 member 14; minus strand). Cytogenetic location: 3q26.2.
Variant type: single nucleotide variant.
Coding change: c.2143G>A on transcript NM_020949.3 (MANE Select); coding-DNA position 2143, G replaced by A.
Protein change: p.Glu715Lys; replaces glutamic acid 715 with lysine.
Molecular consequence: missense variant.
Genome position (GRCh38, 1-based): chr3:170,467,228, C>T on the plus strand (G>A on the coding strand, the complement: SLC7A14 is on the minus strand). VCF-style: chr3-170467228-C-T. GRCh37 (hg19) VCF-style: chr3-170185016-C-T.
Other names: c.2143G>A (NM_020949.2); short protein forms E715K.
Identifiers: ClinVar variation 1054378 (VCV001054378.8), dbSNP rs530931888, ClinGen allele CA2701491.
Genomic context (GRCh38, chr3:170,467,228, plus strand): 5'-ACATCTGTTGGTAATAGAAGCCTTTGTCTTCAGTGGGCCCGCCCCAGTCCTCCTGGCTCT[C>T]GCCCTCTGTGGCGTAGGAGAAACCCTCCTCCACTGAGAAGGGGTCATCCACGTCGTAGCG-3'
Protein context (NP_066000.2, residues 705-725): EEGFSYATEG[Glu715Lys]SQEDWGGPTE